The following is an entry in ClinVar:

ClinVar aggregate classification (germline): Uncertain significance (1 of 4 stars; one submission).

Conditions:
Familial cancer of breast. Also called: BREAST CANCER, FAMILIAL; Hereditary breast cancer; hereditary breast carcinoma. Identifiers: Orphanet 227535, MedGen C0346153, MONDO:0016419, OMIM 114480. Disease mechanism: loss of function.

Submission:

Labcorp Genetics (formerly Invitae), Labcorp
Classification: Uncertain significance for Familial cancer of breast. Last evaluated: 2019-09-27. Review status: criteria provided, single submitter. Criteria: Invitae Variant Classification Sherloc (09022015). Collection method: clinical testing. Allele origin: germline.
Comment: In summary, the available evidence is currently insufficient to determine the role of this variant in disease. Therefore, it has been classified as a Variant of Uncertain Significance. This sequence change replaces glutamine with leucine at codon 151 of the PALB2 protein (p.Gln151Leu). The glutamine residue is weakly conserved and there is a moderate physicochemical difference between glutamine and leucine. This variant is not present in population databases (ExAC no frequency). This variant has not been reported in the literature in individuals with PALB2-related conditions. Algorithms developed to predict the effect of missense changes on protein structure and function (SIFT, PolyPhen-2, Align-GVGD) all suggest that this variant is likely to be tolerated, but these predictions have not been confirmed by published functional studies and their clinical significance is uncertain.

NM_024675.4(PALB2):c.452A>T (p.Gln151Leu)

Gene: PALB2 (partner and localizer of BRCA2; minus strand). Cytogenetic location: 16p12.2.
Variant type: single nucleotide variant.
Coding change: c.452A>T on transcript NM_024675.4 (MANE Select); coding-DNA position 452, A replaced by T.
Protein change: p.Gln151Leu; replaces glutamine 151 with leucine.
Molecular consequence: missense variant.
Genome position (GRCh38, 1-based): chr16:23,636,094, T>A on the plus strand (A>T on the coding strand, the complement: PALB2 is on the minus strand). VCF-style: chr16-23636094-T-A. GRCh37 (hg19) VCF-style: chr16-23647415-T-A.
Other names: short protein forms Q151L.
Identifiers: ClinVar variation 935876 (VCV000935876.9), dbSNP rs1967046234, ClinGen allele CA395137215.